The following is an entry in ClinVar:

ClinVar aggregate classification (germline): Uncertain significance (1 of 4 stars; one submission).

Submission:

GeneDx
Classification: Uncertain significance. Last evaluated: 2026-03-25. Review status: criteria provided, single submitter. Criteria: GeneDx Variant Classification Process June 2021. Collection method: clinical testing. Allele origin: germline.
Comment: Has not been previously published as pathogenic or benign to our knowledge; Not observed at significant frequency in large population cohorts (gnomAD); In silico analysis suggests that this variant does not alter protein structure/function

NM_000284.4(PDHA1):c.1148_1172dup (p.Ter391=)

Gene: PDHA1 (pyruvate dehydrogenase E1 subunit alpha 1; plus strand). Cytogenetic location: Xp22.12.
Variant type: Duplication.
Coding change: c.1148_1172dup on transcript NM_000284.4 (MANE Select); coding-DNA positions 1148 to 1172, 25 bases duplicated (GGATCAAGTTTAAGTCAGTCAGTTA).
Protein change: p.Ter391=.
Molecular consequence: synonymous variant.
Genome position (GRCh38, 1-based): chrX:19,359,628-19,359,652, GGATCAAGTTTAAGTCAGTCAGTTA duplicated. VCF-style (leftmost placement, unchanged base first): chrX-19359627-T-TGGATCAAGTTTAAGTCAGTCAGTTA. GRCh37 (hg19) VCF-style: chrX-19377745-T-TGGATCAAGTTTAAGTCAGTCAGTTA.
Other names: c.1262_1286dup, p.Ter429= (NM_001173454.2); c.1169_1193dup, p.Ter398= (NM_001173455.2); c.1055_1079dup, p.Ter360= (NM_001173456.2).
Identifiers: ClinVar variation 5017136 (VCV005017136.1).